The following is an entry in ClinVar:

NM_020708.5(SLC12A5):c.684C>A (p.Asn228Lys)

Gene: SLC12A5 (solute carrier family 12 member 5; plus strand). Cytogenetic location: 20q13.12.
Variant type: single nucleotide variant.
Coding change: c.684C>A on transcript NM_020708.5 (MANE Select); coding-DNA position 684, C replaced by A.
Protein change: p.Asn228Lys; replaces asparagine 228 with lysine.
Molecular consequence: missense variant.
Genome position (GRCh38, 1-based): chr20:46,040,444, C>A. VCF-style: chr20-46040444-C-A. GRCh37 (hg19) VCF-style: chr20-44669083-C-A.
Other names: c.753C>A, p.Asn251Lys (NM_001134771.2); short protein forms N228K, N251K.
Identifiers: ClinVar variation 939476 (VCV000939476.7), dbSNP rs2084535559, ClinGen allele CA409189755.

ClinVar aggregate classification (germline): Uncertain significance (1 of 4 stars; one submission).

Conditions:
Developmental and epileptic encephalopathy, 34 (DEE34). Also called: Early infantile epileptic encephalopathy 34; SLC12A5-Related Epilepsy of Infancy with Migrating Focal Seizures. Identifiers: Orphanet 293181, MedGen C4225257, MONDO:0014718, OMIM 616645.

gnomAD v4.1: 1 of 1,614,254 alleles (0.000062%); highest among the groups gnomAD compares: Non-Finnish European, 0.000085%; no homozygotes.

Submission:

Labcorp Genetics (formerly Invitae), Labcorp
Classification: Uncertain significance for Developmental and epileptic encephalopathy, 34. Last evaluated: 2021-08-27. Review status: criteria provided, single submitter. Criteria: Invitae Variant Classification Sherloc (09022015). Collection method: clinical testing. Allele origin: germline.
Comment: This sequence change replaces asparagine with lysine at codon 228 of the SLC12A5 protein (p.Asn228Lys). The asparagine residue is highly conserved and there is a moderate physicochemical difference between asparagine and lysine. This variant is not present in population databases (ExAC no frequency). This variant has not been reported in the literature in individuals affected with SLC12A5-related conditions. Algorithms developed to predict the effect of missense changes on protein structure and function are either unavailable or do not agree on the potential impact of this missense change (SIFT: "Deleterious"; PolyPhen-2: "Probably Damaging"; Align-GVGD: "Class C0"). In summary, the available evidence is currently insufficient to determine the role of this variant in disease. Therefore, it has been classified as a Variant of Uncertain Significance.